The following is an entry in ClinVar:

NM_007294.4(BRCA1):c.1520G>T (p.Arg507Ile)

Gene: BRCA1 (BRCA1 DNA repair associated; minus strand). Cytogenetic location: 17q21.31.
Variant type: single nucleotide variant.
Coding change: c.1520G>T on transcript NM_007294.4 (MANE Select); coding-DNA position 1520, G replaced by T.
Protein change: p.Arg507Ile; replaces arginine 507 with isoleucine.
Molecular consequence: missense variant. On other transcripts: intron variant (137).
Genome position (GRCh38, 1-based): chr17:43,094,011, C>A on the plus strand (G>T on the coding strand, the complement: BRCA1 is on the minus strand). VCF-style: chr17-43094011-C-A. GRCh37 (hg19) VCF-style: chr17-41246028-C-A.
Other names: c.1307G>T, p.Arg436Ile (NM_001407571.1, NM_001407853.1, NM_001407894.1 and 9 more transcripts); c.1520G>T, p.Arg507Ile (NM_001407581.1, NM_001407582.1, NM_001407583.1 and 30 more transcripts); c.1517G>T, p.Arg506Ile (NM_001407587.1, NM_001407590.1, NM_001407591.1 and 22 more transcripts); c.1511G>T, p.Arg504Ile (NM_001407646.1, NM_001407647.1); c.1397G>T, p.Arg466Ile (NM_001407648.1, NM_001407664.1, NM_001407665.1 and 19 more transcripts); c.1394G>T, p.Arg465Ile (NM_001407649.1, NM_001407670.1, NM_001407671.1 and 11 more transcripts); c.1442G>T, p.Arg481Ile (NM_001407653.1, NM_001407654.1, NM_001407655.1 and 4 more transcripts); c.1439G>T, p.Arg480Ile (NM_001407659.1, NM_001407660.1, NM_001407661.1 and 1 more transcripts); and 40 more; short protein forms R507I, R460I, R379I, R396I, R418I, R437I, R459I, R504I.
Identifiers: ClinVar variation 54284 (VCV000054284.7), dbSNP rs80357224, ClinGen allele CA001027.

ClinVar aggregate classification (germline): Conflicting classifications of pathogenicity. Review status: criteria provided, conflicting classifications (1 of 4 stars). 3 submissions from 3 submitters: Uncertain significance (1); Likely benign (1). 1 of the submissions does not count toward it. Last evaluated 2023-03-23.

Conditions:
Hereditary cancer-predisposing syndrome. Also called: Tumor predisposition; Neoplastic Syndromes, Hereditary; Hereditary Cancer Syndrome; Hereditary neoplastic syndrome. Identifiers: Orphanet 140162, MedGen C0027672, MeSH D009386, MONDO:0015356.
Breast-ovarian cancer, familial, susceptibility to, 1 (BROVCA1). Also called: OVARIAN CANCER, SUSCEPTIBILITY TO; BRCA1 Hereditary Breast and Ovarian Cancer. Identifiers: Orphanet 145, MedGen C2676676, MONDO:0011450, OMIM 604370. Disease mechanism: loss of function.

Submissions (3):

University of Washington Department of Laboratory Medicine, University of Washington
Classification: Likely benign for Hereditary cancer-predisposing syndrome. Last evaluated: 2023-03-23. Review status: criteria provided, single submitter. Criteria: Dines et al. (Genet Med. 2020). Collection method: curation. Allele origin: germline.
Comment: Missense variant in a coldspot region where missense variants are very unlikely to be pathogenic (PMID:31911673).

BRCA1 coldspot (exon 11 using historical exon numbering). Reclassification based on statistical prior probability

Color Diagnostics, LLC DBA Color Health
Classification: Uncertain significance for Hereditary cancer-predisposing syndrome. Last evaluated: 2020-08-26. Review status: criteria provided, single submitter. Criteria: ACMG Guidelines, 2015. Collection method: clinical testing. Allele origin: germline.
Comment: This missense variant replaces arginine with isoleucine at codon 507 of the BRCA1 protein. Computational prediction suggests that this variant may have deleterious impact on protein structure and function (internally defined REVEL score threshold >= 0.7, PMID: 27666373). This variant alters a conserved arginine residue within the first BRCA1 nuclear localization signal, but a functional study has shown that this variant does not affect nuclear localization of BRCA1 protein (PMID: 14729053). This variant has not been reported in individuals affected with hereditary cancer in the literature. This variant has not been identified in the general population by the Genome Aggregation Database (gnomAD). The available evidence is insufficient to determine the role of this variant in disease conclusively. Therefore, this variant is classified as a Variant of Uncertain Significance.

Breast Cancer Information Core (BIC) (BRCA1)
Classification: Uncertain significance for Breast-ovarian cancer, familial 1. Last evaluated: 1999-04-05. Review status: no assertion criteria provided. Collection method: clinical testing. Allele origin: germline. Affected: yes. Observed: 1 variant allele. Not counted in ClinVar's aggregate classification.